The following is an entry in ClinVar:

ClinVar aggregate classification (germline): Uncertain significance. Review status: criteria provided, multiple submitters, no conflicts (2 of 4 stars). 2 submissions from 2 submitters: Uncertain significance (2). Last evaluated 2022-03-14.

Conditions:
Primary immunodeficiency with natural-killer cell deficiency and adrenal insufficiency (IMD54). Also called: IMMUNODEFICIENCY 54; Natural killer cell and glucocorticoid deficiency with DNA repair defect. Identifiers: Orphanet 75391, MedGen C1864947, MONDO:0012383, OMIM 609981.

Allele frequency attached by ClinVar (database versions not stated): ExAC 0.00001; gnomAD 0.00001; gnomAD exomes 0.00001; TOPMed 0.00003; ESP Exome Variant Server 0.00008.

Submissions (2):

Labcorp Genetics (formerly Invitae), Labcorp
Classification: Uncertain significance. Last evaluated: 2022-03-14. Review status: criteria provided, single submitter. Criteria: Invitae Variant Classification Sherloc (09022015). Collection method: clinical testing. Allele origin: germline.
Comment: This sequence change replaces arginine, which is basic and polar, with tryptophan, which is neutral and slightly polar, at codon 766 of the MCM4 protein (p.Arg766Trp). This variant is present in population databases (rs149597772, gnomAD 0.003%). This variant has not been reported in the literature in individuals affected with MCM4-related conditions. ClinVar contains an entry for this variant (Variation ID: 911992). Algorithms developed to predict the effect of missense changes on protein structure and function (SIFT, PolyPhen-2, Align-GVGD) all suggest that this variant is likely to be disruptive. In summary, the available evidence is currently insufficient to determine the role of this variant in disease. Therefore, it has been classified as a Variant of Uncertain Significance.

Illumina Laboratory Services, Illumina
Classification: Uncertain significance for Primary immunodeficiency with natural-killer cell deficiency and adrenal insufficiency. Last evaluated: 2018-01-13. Review status: criteria provided, single submitter. Criteria: ICSL Variant Classification Criteria 13 December 2019. Collection method: clinical testing. Allele origin: germline.

NM_182746.3(MCM4):c.2296C>T (p.Arg766Trp)

Gene: MCM4 (minichromosome maintenance complex component 4; plus strand). Cytogenetic location: 8q11.21.
Variant type: single nucleotide variant.
Coding change: c.2296C>T on transcript NM_182746.3 (MANE Select); coding-DNA position 2296, C replaced by T.
Protein change: p.Arg766Trp; replaces arginine 766 with tryptophan.
Molecular consequence: missense variant.
Genome position (GRCh38, 1-based): chr8:47,974,893, C>T. VCF-style: chr8-47974893-C-T. GRCh37 (hg19) VCF-style: chr8-48887453-C-T.
Other names: c.2296C>T, p.Arg766Trp (NM_005914.4); short protein forms R766W.
Identifiers: ClinVar variation 911992 (VCV000911992.8), dbSNP rs149597772, ClinGen allele CA4742871.
Genomic context (GRCh38, chr8:47,974,893, plus strand): 5'-AAAGTAAGATTGTCTAACAAAGTTGAAGCCATTGATGTGGAAGAGGCCAAACGCCTCCAT[C>T]GGGAAGCTCTGAAGCAGTCTGCAACTGATCCCCGGACTGGCATCGTGGACATATCTATTC-3'
Protein context (NP_877423.1, residues 756-776): IDVEEAKRLH[Arg766Trp]EALKQSATDP